The following is an entry in ClinVar:

ClinVar aggregate classification (germline): Uncertain significance (1 of 4 stars; one submission).

Conditions:
Primary ciliary dyskinesia. Also called: Ciliary dyskinesia. Identifiers: Orphanet 244, MedGen C0008780, MONDO:0016575, HP:0012265.

Submission:

Labcorp Genetics (formerly Invitae), Labcorp
Classification: Uncertain significance for Primary ciliary dyskinesia. Last evaluated: 2025-08-20. Review status: criteria provided, single submitter. Criteria: Invitae Variant Classification Sherloc (09022015). Collection method: clinical testing. Allele origin: germline.
Comment: This sequence change replaces leucine, which is neutral and non-polar, with proline, which is neutral and non-polar, at codon 1310 of the DNAH5 protein (p.Leu1310Pro). This variant is not present in population databases (gnomAD no frequency). This variant has not been reported in the literature in individuals affected with DNAH5-related conditions. Invitae Evidence Modeling of protein sequence and biophysical properties (such as structural, functional, and spatial information, amino acid conservation, physicochemical variation, residue mobility, and thermodynamic stability) indicates that this missense variant is not expected to disrupt DNAH5 protein function with a negative predictive value of 95%. In summary, the available evidence is currently insufficient to determine the role of this variant in disease. Therefore, it has been classified as a Variant of Uncertain Significance.

NM_001369.3(DNAH5):c.3929T>C (p.Leu1310Pro)

Genes: DNAH5 (dynein axonemal heavy chain 5; minus strand), DNAH5-AS1 (DNAH5 antisense RNA 1; plus strand). Cytogenetic location: 5p15.2.
Variant type: single nucleotide variant.
Coding change: c.3929T>C on transcript NM_001369.3 (MANE Select); coding-DNA position 3929, T replaced by C.
Protein change: p.Leu1310Pro; replaces leucine 1310 with proline.
Molecular consequence: missense variant.
Genome position (GRCh38, 1-based): chr5:13,867,898, A>G on the plus strand (T>C on the coding strand, the complement: DNAH5 is on the minus strand). VCF-style: chr5-13867898-A-G. GRCh37 (hg19) VCF-style: chr5-13868007-A-G.
Other names: short protein forms L1310P.
Identifiers: ClinVar variation 4806733 (VCV004806733.1).